The following is an entry in ClinVar:

NM_001142800.2(EYS):c.9188G>A (p.Ser3063Asn)

Genes: EYS (EGF-like photoreceptor maintenance factor; minus strand), PHF3 (PHD finger protein 3; plus strand). Cytogenetic location: 6q12.
Variant type: single nucleotide variant.
Coding change: c.9188G>A on transcript NM_001142800.2 (MANE Select); coding-DNA position 9188, G replaced by A.
Protein change: p.Ser3063Asn; replaces serine 3063 with asparagine.
Molecular consequence: missense variant. On other transcripts: 3 prime UTR variant (5).
Genome position (GRCh38, 1-based): chr6:63,720,843, C>T on the plus strand (G>A on the coding strand, the complement: EYS is on the minus strand). VCF-style: chr6-63720843-C-T. GRCh37 (hg19) VCF-style: chr6-64430739-C-T.
Other names: c.*7135C>T (NM_001290259.2, NM_001370348.2, NM_001370349.2 and 2 more transcripts); c.9251G>A, p.Ser3084Asn (NM_001292009.2); short protein forms S3084N, S3063N.
Identifiers: ClinVar variation 2004540 (VCV002004540.4), dbSNP rs2533386487, ClinGen allele CA364383052.

ClinVar aggregate classification (germline): Uncertain significance (1 of 4 stars; one submission).

Submission:

Labcorp Genetics (formerly Invitae), Labcorp
Classification: Uncertain significance. Last evaluated: 2022-10-13. Review status: criteria provided, single submitter. Criteria: Invitae Variant Classification Sherloc (09022015). Collection method: clinical testing. Allele origin: germline.
Comment: This variant has not been reported in the literature in individuals affected with EYS-related conditions. This variant is not present in population databases (gnomAD no frequency). This sequence change replaces serine, which is neutral and polar, with asparagine, which is neutral and polar, at codon 3063 of the EYS protein (p.Ser3063Asn). Algorithms developed to predict the effect of missense changes on protein structure and function output the following: SIFT: "Tolerated"; PolyPhen-2: "Benign"; Align-GVGD: "Class C0". The asparagine amino acid residue is found in multiple mammalian species, which suggests that this missense change does not adversely affect protein function. In summary, the available evidence is currently insufficient to determine the role of this variant in disease. Therefore, it has been classified as a Variant of Uncertain Significance.